The following is an entry in ClinVar:

ClinVar aggregate classification (germline): Uncertain significance (1 of 4 stars; one submission).

Submission:

Ambry Genetics
Classification: Uncertain significance. Last evaluated: 2025-01-16. Review status: criteria provided, single submitter. Criteria: Ambry Variant Classification Scheme 2023. Collection method: clinical testing. Allele origin: germline.
Comment: The p.A55P variant (also known as c.163G>C), located in coding exon 1 of the TMPO gene, results from a G to C substitution at nucleotide position 163. The alanine at codon 55 is replaced by proline, an amino acid with highly similar properties. This amino acid position is conserved. In addition, this alteration is predicted to be tolerated by in silico analysis. Based on the available evidence, the clinical significance of this variant remains unclear.

NM_001032283.3(TMPO):c.163G>C (p.Ala55Pro)

Genes: TMPO (thymopoietin; plus strand), TMPO-AS1 (TMPO antisense RNA 1; minus strand). Cytogenetic location: 12q23.1.
Variant type: single nucleotide variant.
Coding change: c.163G>C on transcript NM_001032283.3 (MANE Select); coding-DNA position 163, G replaced by C.
Protein change: p.Ala55Pro; replaces alanine 55 with proline.
Molecular consequence: missense variant. On other transcripts: non-coding transcript variant (1).
Genome position (GRCh38, 1-based): chr12:98,516,030, G>C. VCF-style: chr12-98516030-G-C. GRCh37 (hg19) VCF-style: chr12-98909808-G-C.
Other names: c.163G>C, p.Ala55Pro (NM_001032284.3, NM_001307975.2, NM_003276.2); short protein forms A55P.
Identifiers: ClinVar variation 3808573 (VCV003808573.1).